The following is an entry in ClinVar:

ClinVar aggregate classification (germline): Likely pathogenic. Review status: criteria provided, multiple submitters, no conflicts (2 of 4 stars). 2 submissions from 2 submitters: Likely pathogenic (2). Last evaluated 2026-01-10.

Conditions:
TTN-related disorder. Also called: TTN-related condition; TTN-related disease; TTN-related disorders.
Dilated cardiomyopathy 1G (CMD1G). Identifiers: Orphanet 154, MedGen C1858763, MONDO:0011400, OMIM 604145.
Autosomal recessive limb-girdle muscular dystrophy type 2J (LGMDR10). Also called: Limb-girdle muscular dystrophy, type 2J; MUSCULAR DYSTROPHY, LIMB-GIRDLE, AUTOSOMAL RECESSIVE 10. Identifiers: Orphanet 140922, MedGen C1837342, MONDO:0012127, OMIM 608807.

Submissions (2):

Labcorp Genetics (formerly Invitae), Labcorp
Classification: Likely pathogenic for Dilated cardiomyopathy 1G; Autosomal recessive limb-girdle muscular dystrophy type 2J. Last evaluated: 2026-01-10. Review status: criteria provided, single submitter. Criteria: Invitae Variant Classification Sherloc (09022015). Collection method: clinical testing. Allele origin: germline.
Comment: This sequence change creates a premature translational stop signal (p.Trp17811*) in the TTN gene. While this is not anticipated to result in nonsense mediated decay, it is expected to create a truncated TTN protein. This variant is not present in population databases (gnomAD no frequency). This variant has not been reported in the literature in individuals affected with TTN-related conditions. ClinVar contains an entry for this variant (Variation ID: 636639). This variant is located in the A band of TTN (PMID: 25589632). Truncating variants in this region are significantly overrepresented in patients affected with dilated cardiomyopathy (PMID: 25589632). Truncating variants in this region have also been reported in individuals affected with autosomal recessive centronuclear myopathy (PMID: 23975875). In summary, the currently available evidence indicates that the variant is pathogenic, but additional data are needed to prove that conclusively. Therefore, this variant has been classified as Likely Pathogenic.

Blueprint Genetics
Classification: Likely pathogenic for TTN-related disorders. Last evaluated: 2024-10-14. Review status: criteria provided, single submitter. Criteria: ACMG Guidelines, 2015. Collection method: clinical testing. Allele origin: germline. Affected: yes. Observed: 5 variant alleles.

Literature cited by the submitters: PubMed 25589632 (cited by Labcorp Genetics (formerly Invitae), Labcorp); PubMed 23975875 (cited by Labcorp Genetics (formerly Invitae), Labcorp).

NM_001267550.2(TTN):c.53432G>A (p.Trp17811Ter)

Genes: TTN-AS1 (TTN antisense RNA 1; plus strand), TTN (titin; minus strand). Cytogenetic location: 2q31.2.
Variant type: single nucleotide variant.
Coding change: c.53432G>A on transcript NM_001267550.2 (MANE Select); coding-DNA position 53432, G replaced by A.
Protein change: p.Trp17811Ter; replaces tryptophan 17811 with a stop codon.
Molecular consequence: nonsense.
Genome position (GRCh38, 1-based): chr2:178,607,170, C>T on the plus strand (G>A on the coding strand, the complement: TTN is on the minus strand). VCF-style: chr2-178607170-C-T. GRCh37 (hg19) VCF-style: chr2-179471897-C-T.
Other names: c.48509G>A, p.Trp16170Ter (NM_001256850.1); c.26237G>A, p.Trp8746Ter (NM_003319.4); c.45728G>A, p.Trp15243Ter (NM_133378.4); c.26612G>A, p.Trp8871Ter (NM_133432.3); c.26813G>A, p.Trp8938Ter (NM_133437.4); short protein forms W17811*, W15243*, W8746*, W8871*, W8938*, W16170*.
Identifiers: ClinVar variation 636639 (VCV000636639.3), dbSNP rs1576359214, ClinGen allele CA349564230.